The following is an entry in ClinVar:

NM_005591.4(MRE11):c.572G>A (p.Arg191Gln)

Gene: MRE11 (MRE11 double strand break repair nuclease; minus strand). Cytogenetic location: 11q21.
Variant type: single nucleotide variant.
Coding change: c.572G>A on transcript NM_005591.4 (MANE Select); coding-DNA position 572, G replaced by A.
Protein change: p.Arg191Gln; replaces arginine 191 with glutamine.
Molecular consequence: missense variant.
Genome position (GRCh38, 1-based): chr11:94,476,376, C>T on the plus strand (G>A on the coding strand, the complement: MRE11 is on the minus strand). VCF-style: chr11-94476376-C-T. GRCh37 (hg19) VCF-style: chr11-94209542-C-T.
Other names: c.572G>A, p.Arg191Gln (NM_001330347.2, NM_005590.4); short protein forms R191Q.
Identifiers: ClinVar variation 825929 (VCV000825929.17), dbSNP rs746932208, ClinGen allele CA6235355.

ClinVar aggregate classification (germline): Uncertain significance. Review status: criteria provided, multiple submitters, no conflicts (2 of 4 stars). 3 submissions from 3 submitters: Uncertain significance (3). Last evaluated 2025-07-21.

Conditions:
Hereditary breast ovarian cancer syndrome. Also called: Hereditary breast and ovarian cancer syndrome; Hereditary breast and ovarian cancer; Hereditary breast and ovarian cancer syndrome (HBOC); Breast and ovarian cancer; Hereditary breast and/or ovarian cancer syndrome; BRCA1- and BRCA2-Associated Hereditary Breast and Ovarian Cancer. Identifiers: Orphanet 145, MedGen C0677776, MeSH D061325, MONDO:0003582. Disease mechanism: loss of function.
Ataxia-telangiectasia-like disorder (ATLD). Identifiers: MedGen C1858391, MONDO:0011457.
Hereditary cancer-predisposing syndrome. Also called: Neoplastic Syndromes, Hereditary; Tumor predisposition; Hereditary neoplastic syndrome; Hereditary Cancer Syndrome. Identifiers: Orphanet 140162, MedGen C0027672, MeSH D009386, MONDO:0015356.

Allele frequency attached by ClinVar (database versions not stated): TOPMed below 0.00001; gnomAD exomes 0.00001 and 0.00002; ExAC 0.00002.
gnomAD v4.1: 8 of 1,611,860 alleles (0.0005%); highest among the groups gnomAD compares: East Asian, 0.0022%; no homozygotes.

Submissions (3):

Labcorp Genetics (formerly Invitae), Labcorp
Classification: Uncertain significance for Ataxia-telangiectasia-like disorder. Last evaluated: 2025-07-21. Review status: criteria provided, single submitter. Criteria: Invitae Variant Classification Sherloc (09022015). Collection method: clinical testing. Allele origin: germline.
Comment: This sequence change replaces arginine, which is basic and polar, with glutamine, which is neutral and polar, at codon 191 of the MRE11 protein (p.Arg191Gln). This variant is present in population databases (rs746932208, gnomAD 0.004%). This variant has not been reported in the literature in individuals affected with MRE11-related conditions. ClinVar contains an entry for this variant (Variation ID: 825929). An algorithm developed to predict the effect of missense changes on protein structure and function (PolyPhen-2) suggests that this variant is likely to be tolerated. In summary, the available evidence is currently insufficient to determine the role of this variant in disease. Therefore, it has been classified as a Variant of Uncertain Significance.

Ambry Genetics
Classification: Uncertain significance for Hereditary cancer-predisposing syndrome. Last evaluated: 2022-07-24. Review status: criteria provided, single submitter. Criteria: Ambry Variant Classification Scheme 2023. Collection method: clinical testing. Allele origin: germline.
Comment: The p.R191Q variant (also known as c.572G>A), located in coding exon 6 of the MRE11A gene, results from a G to A substitution at nucleotide position 572. The arginine at codon 191 is replaced by glutamine, an amino acid with highly similar properties. This amino acid position is highly conserved in available vertebrate species. In addition, this alteration is predicted to be deleterious by in silico analysis. Since supporting evidence is limited at this time, the clinical significance of this alteration remains unclear.

Cancer Genomics Group, Japanese Foundation For Cancer Research
Classification: Uncertain significance for Hereditary breast and ovarian cancer syndrome. Last evaluated: 2019-05-01. Review status: criteria provided, single submitter. Criteria: ACMG Guidelines, 2015. Collection method: research. Allele origin: germline. Affected: yes.